The following is an entry in ClinVar:

ClinVar aggregate classification (germline): Uncertain significance (1 of 4 stars; one submission).

Conditions:
Hereditary cancer-predisposing syndrome. Also called: Neoplastic Syndromes, Hereditary; Tumor predisposition; Hereditary Cancer Syndrome; Hereditary neoplastic syndrome. Identifiers: Orphanet 140162, MedGen C0027672, MeSH D009386, MONDO:0015356.

Submission:

Ambry Genetics
Classification: Uncertain significance for Hereditary cancer-predisposing syndrome. Last evaluated: 2021-12-10. Review status: criteria provided, single submitter. Criteria: Ambry Variant Classification Scheme 2023. Collection method: clinical testing. Allele origin: germline.
Comment: The p.D226Y variant (also known as c.676G>T), located in coding exon 4 of the BARD1 gene, results from a G to T substitution at nucleotide position 676. The aspartic acid at codon 226 is replaced by tyrosine, an amino acid with highly dissimilar properties. This amino acid position is conserved. In addition, this alteration is predicted to be tolerated by in silico analysis. Since supporting evidence is limited at this time, the clinical significance of this alteration remains unclear.

NM_000465.4(BARD1):c.676G>T (p.Asp226Tyr)

Gene: BARD1 (BRCA1 associated RING domain 1; minus strand). Cytogenetic location: 2q35.
Variant type: single nucleotide variant.
Coding change: c.676G>T on transcript NM_000465.4 (MANE Select); coding-DNA position 676, G replaced by T.
Protein change: p.Asp226Tyr; replaces aspartic acid 226 with tyrosine.
Molecular consequence: missense variant. On other transcripts: non-coding transcript variant (2), intron variant (3).
Genome position (GRCh38, 1-based): chr2:214,781,198, C>A on the plus strand (G>T on the coding strand, the complement: BARD1 is on the minus strand). VCF-style: chr2-214781198-C-A. GRCh37 (hg19) VCF-style: chr2-215645922-C-A.
Other names: c.619G>T, p.Asp207Tyr (NM_001282543.2); c.158+28214G>T (NM_001282548.2); c.215+15863G>T (NM_001282545.2); c.364+11099G>T (NM_001282549.2); short protein forms D207Y, D226Y.
Identifiers: ClinVar variation 1755350 (VCV001755350.2), dbSNP rs876659965, ClinGen allele CA350456463.